The following is an entry in ClinVar:

NM_014236.4(GNPAT):c.397del (p.Ile133fs)

Gene: GNPAT (glyceronephosphate O-acyltransferase; plus strand). Cytogenetic location: 1q42.2.
Variant type: Deletion.
Coding change: c.397del on transcript NM_014236.4 (MANE Select); coding-DNA position 397, one base deleted (A; older notation c.397delA).
Protein change: p.Ile133fs; shifts the reading frame from isoleucine 133.
Molecular consequence: frameshift variant.
Genome position (GRCh38, 1-based): chr1:231,260,642, A deleted; the last of 3 consecutive A bases (chr1:231,260,640-231,260,642); deleting any one gives the same sequence. VCF-style (leftmost placement, unchanged base first): chr1-231260639-CA-C. GRCh37 (hg19) VCF-style: chr1-231396385-CA-C.
Other names: c.214del, p.Ile72fs (NM_001316350.2); short protein forms I133fs, I72fs.
Identifiers: ClinVar variation 2760073 (VCV002760073.3), dbSNP rs2527013115, ClinGen allele CA2574154267.
Genomic context (GRCh38, chr1:231,260,639, plus strand): 5'-CACAAACTGCGTCTTGGAGCCATTCGGTTTTGTGCCTTCACCCTGAGCAAAGTATTTAAA[CA>C]AATTTTCTCGAAGGTGTGTGTAAATGAAGAAGGTATTCAGAAAGTGAGTATTGATTATTA-3'

ClinVar aggregate classification (germline): Pathogenic (1 of 4 stars; one submission).

Submission:

Labcorp Genetics (formerly Invitae), Labcorp
Classification: Pathogenic. Last evaluated: 2023-09-11. Review status: criteria provided, single submitter. Criteria: Invitae Variant Classification Sherloc (09022015). Collection method: clinical testing. Allele origin: germline.
Comment: For these reasons, this variant has been classified as Pathogenic. This variant has not been reported in the literature in individuals affected with GNPAT-related conditions. This variant is not present in population databases (gnomAD no frequency). This sequence change creates a premature translational stop signal (p.Ile133Phefs*7) in the GNPAT gene. It is expected to result in an absent or disrupted protein product. Loss-of-function variants in GNPAT are known to be pathogenic (PMID: 9536089, 21990100).

Literature cited by the submitters: PubMed 9536089; PubMed 21990100.